The following is an entry in ClinVar:

ClinVar aggregate classification (germline): Uncertain significance (1 of 4 stars; one submission).

Conditions:
Senior-Loken syndrome 7 (SLSN7). Identifiers: Orphanet 3156, MedGen C3150877, MONDO:0013326, OMIM 613615.
Bardet-Biedl syndrome 16 (BBS16). Identifiers: Orphanet 110, MedGen C3889474, MONDO:0014444, OMIM 615993.

Allele frequency attached by ClinVar (database versions not stated): TOPMed 0.00001.

Submission:

Labcorp Genetics (formerly Invitae), Labcorp
Classification: Uncertain significance for Bardet-Biedl syndrome 16; Senior-Loken syndrome 7. Last evaluated: 2022-06-13. Review status: criteria provided, single submitter. Criteria: Invitae Variant Classification Sherloc (09022015). Collection method: clinical testing. Allele origin: germline.
Comment: In summary, the available evidence is currently insufficient to determine the role of this variant in disease. Therefore, it has been classified as a Variant of Uncertain Significance. Algorithms developed to predict the effect of missense changes on protein structure and function are either unavailable or do not agree on the potential impact of this missense change (SIFT: "Tolerated"; PolyPhen-2: "Possibly Damaging"; Align-GVGD: "Class C0"). ClinVar contains an entry for this variant (Variation ID: 959154). This variant has not been reported in the literature in individuals affected with SDCCAG8-related conditions. This variant is not present in population databases (gnomAD no frequency). This sequence change replaces glutamic acid, which is acidic and polar, with glutamine, which is neutral and polar, at codon 6 of the SDCCAG8 protein (p.Glu6Gln).

NM_006642.5(SDCCAG8):c.16G>C (p.Glu6Gln)

Gene: SDCCAG8 (SHH signaling and ciliogenesis regulator SDCCAG8; plus strand). Cytogenetic location: 1q43.
Variant type: single nucleotide variant.
Coding change: c.16G>C on transcript NM_006642.5 (MANE Select); coding-DNA position 16, G replaced by C.
Protein change: p.Glu6Gln; replaces glutamic acid 6 with glutamine.
Molecular consequence: missense variant. On other transcripts: 5 prime UTR variant (4).
Genome position (GRCh38, 1-based): chr1:243,256,189, G>C. VCF-style: chr1-243256189-G-C. GRCh37 (hg19) VCF-style: chr1-243419491-G-C.
Other names: c.-1097G>C (NM_001350246.2); c.-985G>C (NM_001350247.2); c.16G>C, p.Glu6Gln (NM_001350248.2); c.-292G>C (NM_001350249.2); c.-1358G>C (NM_001350251.2); short protein forms E6Q.
Identifiers: ClinVar variation 959154 (VCV000959154.9), dbSNP rs1201744229, ClinGen allele CA345478085.